The following is an entry in ClinVar:

ClinVar aggregate classification (germline): Pathogenic/Likely pathogenic. Review status: criteria provided, multiple submitters, no conflicts (2 of 4 stars). 7 submissions from 7 submitters: Pathogenic (6); Likely pathogenic (1). Last evaluated 2026-04-29.

Conditions:
Hereditary spherocytosis type 1. Also called: Spherocytosis type 1; ANK1-Related Spherocytosis. Identifiers: Orphanet 822, MedGen C2674218, MONDO:0008447, OMIM 182900.

Submissions (7):

Department of Precision Medicine, Korea National Institute of Health
Classification: Pathogenic for Hereditary spherocytosis type 1. Last evaluated: 2026-04-29. Review status: criteria provided, single submitter. Criteria: ACMG Guidelines, 2015. Collection method: research. Allele origin: maternal. Affected: yes. Observed: 1 variant allele.
Comment: PVS1 (Null variant (frame-shift) in gene ANK1, predicted to cause NMD. Loss-of-function is a known mechanism of disease (gene has 505 reported pathogenic LOF variants). The exon affects 1 functional domain: UniProt protein ANK1_HUMAN region of interest '89 kDa domain'. The exon contains 4 pathogenic variants. The truncated region contains 285 pathogenic variants), PP5 (Strong: ClinVar classifies this variant as Pathogenic, 2 stars (reviewed Feb '26, 6 submissions of which 1 is from high confidence submitter)), PM2 (Variant not found in gnomAD genomes)

Labcorp Genetics (formerly Invitae), Labcorp
Classification: Pathogenic. Last evaluated: 2025-10-20. Review status: criteria provided, single submitter. Criteria: Invitae Variant Classification Sherloc (09022015). Collection method: clinical testing. Allele origin: germline.
Comment: This sequence change creates a premature translational stop signal (p.Ser799Ilefs*5) in the ANK1 gene. It is expected to result in an absent or disrupted protein product. Loss-of-function variants in ANK1 are known to be pathogenic (PMID: 8640229). This variant is not present in population databases (gnomAD no frequency). This premature translational stop signal has been observed in individual(s) with hereditary spherocytosis (PMID: 11372755, 31669644, 32436265, 33074480). This variant is also known as Ankyrin Kagoshima and Ankyrin Yamanashi. ClinVar contains an entry for this variant (Variation ID: 1323138). For these reasons, this variant has been classified as Pathogenic.

ARUP Laboratories, Molecular Genetics and Genomics, ARUP Laboratories
Classification: Pathogenic for Hereditary spherocytosis type 1. Last evaluated: 2024-02-09. Review status: criteria provided, single submitter. Criteria: ARUP Molecular Germline Variant Investigation Process 2024. Collection method: clinical testing. Allele origin: germline.
Comment: The ANK1 c.2394_2397del, p.Ser799IlefsTer5 variant, also known as Ankyrin Kagoshima (Nakanishi 2001), Ankyrin Yamanashi (Nakanishi 2001), and ANK1 p.Ser832fs (Wang 2023), is reported in the literature in at least eight individuals affected with hereditary spherocytosis (Huisjes 2020, Nakanishi 2001, Tole 2020, Vives-Corrons 2021, Wang 2023, Zhu 2020). This variant is also reported in ClinVar (Variation ID: 1323138). This variant is absent from the Genome Aggregation Database (v2.1.1), indicating it is not a common polymorphism. This variant causes a frameshift by deleting four nucleotides, so it is predicted to result in a truncated protein or mRNA subject to nonsense-mediated decay. Based on available information, this variant is considered to be pathogenic. References: Huisjes R et al. Density, heterogeneity and deformability of red cells as markers of clinical severity in hereditary spherocytosis. Haematologica. 2020 PMID: 31147440. Nakanishi H et al. Ankyrin gene mutations in japanese patients with hereditary spherocytosis. Int J Hematol. 2001 Jan. PMID: 11372755. Tole S et al. Genotype-phenotype correlation in children with hereditary spherocytosis. Br J Haematol. 2020 Nov. PMID: 32436265. Vives-Corrons JL et al. Characterization of hereditary red blood cell membranopathies using combined targeted next-generation sequencing and osmotic gradient ektacytometry. Int J Hematol. 2021 Feb. PMID: 33074480. Wang WJ et al. Identification of variants in 94 Chinese patients with hereditary spherocytosis by next-generation sequencing. Clin Genet. 2023 Jan. PMID: 36203343. Zhu F et al. A tetranucleotide deletion in the ANK1 gene causes hereditary spherocytosis; a case of misdiagnosis. Gene. 2020 Feb 5. PMID: 31669644

Revvity Omics, Revvity
Classification: Pathogenic for Hereditary spherocytosis type 1. Last evaluated: 2023-09-12. Review status: criteria provided, single submitter. Criteria: ACMG Guidelines, 2015. Collection method: clinical testing. Allele origin: germline.

Mayo Clinic Laboratories, Mayo Clinic
Classification: Pathogenic. Last evaluated: 2023-07-10. Review status: criteria provided, single submitter. Criteria: ACMG Guidelines, 2015. Collection method: clinical testing. Allele origin: germline. Observed: 1 variant allele.
Comment: PM2_moderate, PM6, PS4_moderate, PVS1

Jiangsu Institute of Hematology, the First Affiliated Hospital of Soochow University
Classification: Pathogenic for Hereditary spherocytosis type 1. Last evaluated: 2022-03-01. Review status: criteria provided, single submitter. Criteria: ACMG Guidelines, 2015. Collection method: research. Allele origin: de novo. Affected: yes.

Neuberg Centre For Genomic Medicine, NCGM
Classification: Likely pathogenic for Hereditary spherocytosis type 1. Review status: criteria provided, single submitter. Criteria: ACMG Guidelines, 2015. Collection method: clinical testing. Allele origin: germline. Inheritance: Autosomal dominant inheritance. Affected: yes.
Comment: The c.2394_2397del (p.Ser799IlefsTer5) frameshift variant in ANK1 gene has been submitted to ClinVar as a Pathogenic variant, but no details are available for independent assessment. It has not been reported in affected individuals. The p.Ser799IlefsTer5 variant is novel (not in any individuals) in gnomAD Exomes and 1000 Genomes. This variant causes a frameshift starting with codon Serine 799, changes this amino acid to Isoleucine residue, and creates a premature Stop codon at position 5 of the new reading frame, denoted p.Ser799IlefsTer5. This variant is predicted to cause loss of normal protein function through protein truncation. Loss of function variants have been previously reported to be disease causing. For these reasons, this variant has been classified as Likely Pathogenic.

Literature cited by the submitters: PubMed 8640229 (cited by Labcorp Genetics (formerly Invitae), Labcorp); PubMed 11372755 (cited by Labcorp Genetics (formerly Invitae), Labcorp and Mayo Clinic Laboratories, Mayo Clinic); PubMed 31669644 (cited by Labcorp Genetics (formerly Invitae), Labcorp and Mayo Clinic Laboratories, Mayo Clinic); PubMed 32436265 (cited by Labcorp Genetics (formerly Invitae), Labcorp and Mayo Clinic Laboratories, Mayo Clinic); PubMed 33074480 (cited by Labcorp Genetics (formerly Invitae), Labcorp and Mayo Clinic Laboratories, Mayo Clinic); PubMed 36203343 (cited by Mayo Clinic Laboratories, Mayo Clinic).

NM_000037.4(ANK1):c.2394_2397del (p.Ser799fs)

Gene: ANK1 (ankyrin 1; minus strand). Cytogenetic location: 8p11.21.
Variant type: Deletion.
Coding change: c.2394_2397del on transcript NM_000037.4 (MANE Select); coding-DNA positions 2394 to 2397, 4 bases deleted (CAGT; older notation c.2394_2397delCAGT).
Protein change: p.Ser799fs; shifts the reading frame from serine 799.
Molecular consequence: frameshift variant.
Genome position (GRCh38, 1-based): chr8:41,701,614-41,701,617, ACTG deleted on the plus strand (CAGT on the coding strand, the reverse complement: ANK1 is on the minus strand); deleting any 4 consecutive bases within chr8:41,701,614-41,701,620 gives the same sequence; the c. name uses the placement nearest the transcript's 3' end. VCF-style (leftmost placement, unchanged base first): chr8-41701613-CACTG-C. GRCh37 (hg19) VCF-style: chr8-41559131-CACTG-C.
Other names: p.Ser799Ilefs*5; c.2493_2496delCAGT (NM_001142446.2); c.2493_2496del, p.Ser832fs (NM_001142446.2); c.2394_2397del, p.Ser799fs (NM_020475.3, NM_020476.3, NM_020477.3); short protein forms S799fs, S832fs.
Identifiers: ClinVar variation 1323138 (VCV001323138.37), dbSNP rs2150605978, ClinGen allele CA2573053015.